The following is an entry in ClinVar:

NM_000051.4(ATM):c.-25G>T

Gene: ATM (ATM serine/threonine kinase; plus strand). Cytogenetic location: 11q22.3.
Variant type: single nucleotide variant.
Coding change: c.-25G>T on transcript NM_000051.4 (MANE Select); 25 bases upstream of the start codon, G replaced by T.
Molecular consequence: 5 prime UTR variant.
Genome position (GRCh38, 1-based): chr11:108,227,600, G>T. VCF-style: chr11-108227600-G-T. GRCh37 (hg19) VCF-style: chr11-108098327-G-T.
Other names: c.-25G>T (NM_001351834.2, NM_001351835.2, NM_001351836.2).
Identifiers: ClinVar variation 506340 (VCV000506340.1), dbSNP rs1422476659, ClinGen allele CA601693751.

ClinVar aggregate classification (germline): Likely benign (1 of 4 stars; one submission).

Allele frequency attached by ClinVar (database versions not stated): gnomAD exomes below 0.00001.
gnomAD v4.1: 3 of 1,603,516 alleles (0.00019%); highest among the groups gnomAD compares: Non-Finnish European, 0.00026%; no homozygotes.

Submission:

GeneDx
Classification: Likely benign. Last evaluated: 2017-11-17. Review status: criteria provided, single submitter. Criteria: GeneDx Variant Classification (06012015). Collection method: clinical testing. Allele origin: germline. Affected: yes.
Comment: This variant is considered likely benign or benign based on one or more of the following criteria: it is a conservative change, it occurs at a poorly conserved position in the protein, it is predicted to be benign by multiple in silico algorithms, and/or has population frequency not consistent with disease.